The following is an entry in ClinVar:

ClinVar aggregate classification (germline): Likely benign (1 of 4 stars; one submission).

gnomAD v4.1: 1 of 1,614,152 alleles (0.000062%); highest among the groups gnomAD compares: Non-Finnish European, 0.000085%; no homozygotes.

Submission:

CeGaT Center for Human Genetics Tuebingen
Classification: Likely benign. Last evaluated: 2025-01-01. Review status: criteria provided, single submitter. Criteria: CeGaT Center For Human Genetics Tuebingen Variant Classification Criteria Version 2. Collection method: clinical testing. Allele origin: germline. Affected: yes. Observed: 1 variant allele.
Comment: CPE: BP4, BP7

NM_001873.4(CPE):c.1161A>C (p.Pro387=)

Gene: CPE (carboxypeptidase E; plus strand). Cytogenetic location: 4q32.3.
Variant type: single nucleotide variant.
Coding change: c.1161A>C on transcript NM_001873.4 (MANE Select); coding-DNA position 1161, A replaced by C.
Protein change: p.Pro387=; no amino-acid change (proline 387 retained).
Molecular consequence: synonymous variant.
Genome position (GRCh38, 1-based): chr4:165,493,218, A>C. VCF-style: chr4-165493218-A-C. GRCh37 (hg19) VCF-style: chr4-166414370-A-C.
Identifiers: ClinVar variation 3772284 (VCV003772284.13).
Genomic context (GRCh38, chr4:165,493,218, plus strand): 5'-TTGACCTTCACAGATACACCGAGGAGTTAAAGGATTTGTCCGAGACCTTCAAGGTAACCC[A>C]ATTGCGAATGCCACCATCTCCGTGGAAGGAATAGACCACGATGTTACATCCGGTGGGTCT-3'
Protein context (NP_001864.1, residues 377-397): KGFVRDLQGN[Pro387=]IANATISVEG